The following is an entry in ClinVar:

ClinVar aggregate classification (germline): Uncertain significance (1 of 4 stars; one submission).

gnomAD v4.1: 1 of 1,614,222 alleles (0.000062%); highest among the groups gnomAD compares: Non-Finnish European, 0.000085%; no homozygotes.

Submission:

Labcorp Genetics (formerly Invitae), Labcorp
Classification: Uncertain significance. Last evaluated: 2024-02-02. Review status: criteria provided, single submitter. Criteria: Invitae Variant Classification Sherloc (09022015). Collection method: clinical testing. Allele origin: germline.
Comment: This sequence change replaces asparagine, which is neutral and polar, with threonine, which is neutral and polar, at codon 338 of the PROKR2 protein (p.Asn338Thr). This variant is not present in population databases (gnomAD no frequency). This variant has not been reported in the literature in individuals affected with PROKR2-related conditions. Advanced modeling of protein sequence and biophysical properties (such as structural, functional, and spatial information, amino acid conservation, physicochemical variation, residue mobility, and thermodynamic stability) performed at Invitae indicates that this missense variant is not expected to disrupt PROKR2 protein function with a negative predictive value of 80%. In summary, the available evidence is currently insufficient to determine the role of this variant in disease. Therefore, it has been classified as a Variant of Uncertain Significance.

NM_144773.4(PROKR2):c.1013A>C (p.Asn338Thr)

Gene: PROKR2 (prokineticin receptor 2; minus strand). Cytogenetic location: 20p12.3.
Variant type: single nucleotide variant.
Coding change: c.1013A>C on transcript NM_144773.4 (MANE Select); coding-DNA position 1013, A replaced by C.
Protein change: p.Asn338Thr; replaces asparagine 338 with threonine.
Molecular consequence: missense variant.
Genome position (GRCh38, 1-based): chr20:5,302,182, T>G on the plus strand (A>C on the coding strand, the complement: PROKR2 is on the minus strand). VCF-style: chr20-5302182-T-G. GRCh37 (hg19) VCF-style: chr20-5282828-T-G.
Other names: short protein forms N338T.
Identifiers: ClinVar variation 3617049 (VCV003617049.2).